The following is an entry in ClinVar:

NM_025215.6(PUS1):c.133_149del (p.Asp45fs)

Genes: PUS1 (pseudouridine synthase 1; plus strand), LOC130009240 (ATAC-STARR-seq lymphoblastoid silent region 5107; plus strand). Cytogenetic location: 12q24.33.
Variant type: Deletion.
Coding change: c.133_149del on transcript NM_025215.6 (MANE Select); coding-DNA positions 133 to 149, 17 bases deleted (GACCGGAGGTCCTGCAG).
Protein change: p.Asp45fs; shifts the reading frame from aspartic acid 45.
Molecular consequence: frameshift variant.
Genome position (GRCh38, 1-based): chr12:131,929,965-131,929,981, GACCGGAGGTCCTGCAG deleted; deleting any 17 consecutive bases within chr12:131,929,962-131,929,981 gives the same sequence; the c. name uses the placement nearest the transcript's 3' end. VCF-style (leftmost placement, unchanged base first): chr12-131929961-CCAGGACCGGAGGTCCTG-C. GRCh37 (hg19) VCF-style: chr12-132414506-CCAGGACCGGAGGTCCTG-C.
Other names: c.49_65del, p.Asp17fs (NM_001002019.3, NM_001002020.3); short protein forms D45fs, D17fs.
Identifiers: ClinVar variation 4773799 (VCV004773799.2).

ClinVar aggregate classification (germline): Pathogenic (1 of 4 stars; one submission).

Submission:

Labcorp Genetics (formerly Invitae), Labcorp
Classification: Pathogenic. Last evaluated: 2025-04-09. Review status: criteria provided, single submitter. Criteria: Invitae Variant Classification Sherloc (09022015). Collection method: clinical testing. Allele origin: germline.
Comment: This sequence change creates a premature translational stop signal (p.Asp45Argfs*63) in the PUS1 gene. It is expected to result in an absent or disrupted protein product. Loss-of-function variants in PUS1 are known to be pathogenic (PMID: 17056637, 19731322, 25058219, 26556812). This variant is not present in population databases (gnomAD no frequency). This variant has not been reported in the literature in individuals affected with PUS1-related conditions. For these reasons, this variant has been classified as Pathogenic.

Literature cited by the submitters: PubMed 17056637; PubMed 19731322; PubMed 25058219; PubMed 26556812.